The following is an entry in ClinVar:

NM_005419.4(STAT2):c.1344G>A (p.Thr448=)

Gene: STAT2 (signal transducer and activator of transcription 2; minus strand). Cytogenetic location: 12q13.3.
Variant type: single nucleotide variant.
Coding change: c.1344G>A on transcript NM_005419.4 (MANE Select); coding-DNA position 1344, G replaced by A.
Protein change: p.Thr448=; no amino-acid change (threonine 448 retained).
Molecular consequence: synonymous variant.
Genome position (GRCh38, 1-based): chr12:56,349,259, C>T on the plus strand (G>A on the coding strand, the complement: STAT2 is on the minus strand). VCF-style: chr12-56349259-C-T. GRCh37 (hg19) VCF-style: chr12-56743043-C-T.
Other names: c.1332G>A, p.Thr444= (NM_198332.2); c.1344G>A, p.Thr448= (LRG_1329t1).
Identifiers: ClinVar variation 652347 (VCV000652347.6), dbSNP rs776389808, ClinGen allele CA6630533.
Genomic context (GRCh38, chr12:56,349,259, plus strand): 5'-TGAAGCCCAGGCAATTGAGAGCTGGTTCATGTTGGAAATAATCACCACAGGGAGGGTGTC[C>T]GTCTGGGGAGAAGACAGGAGTCACAGAGAGGGATGTGATGTTTCTAGCTGCAGGTATTTG-3'
Protein context (NP_005410.1, residues 438-458): TYQGLKQELK[Thr448=]DTLPVVIISN

ClinVar aggregate classification (germline): Uncertain significance. Review status: criteria provided, multiple submitters, no conflicts (2 of 4 stars). 3 submissions from 3 submitters: Uncertain significance (3). Last evaluated 2026-08-06.

Conditions:
Pseudo-TORCH syndrome 3. Identifiers: MedGen C5394391, MONDO:0030044, OMIM 618886.
Primary immunodeficiency with post-measles-mumps-rubella vaccine viral infection. Also called: Immunodeficiency 44. Identifiers: Orphanet 431166, MedGen C4225260, MONDO:0014715, OMIM 616636.

Allele frequency attached by ClinVar (database versions not stated): gnomAD 0.00002 and 0.00003; TOPMed 0.00007; ExAC 0.00002; gnomAD exomes 0.00006.
gnomAD v4.1: 95 of 1,614,010 alleles (0.0059%); highest among the groups gnomAD compares: Non-Finnish European, 0.0075%; no homozygotes.

Submissions (3):

OLLIN Analises Genomicas, OLLIN
Classification: Uncertain significance for Pseudo-TORCH syndrome 3. Last evaluated: 2026-08-06. Review status: criteria provided, single submitter. Criteria: ACMG Guidelines 2015 PMID 25741868. Collection method: clinical testing. Allele origin: germline. Inheritance: Autosomal recessive inheritance.
Comment: This synonymous variant, located in exon 16 (of 24), has been reported in ClinVar (accession VCV000652347.5) and in gnomAD with an allele frequency of 0.0059%. However, to our knowledge, it has not been reported in the scientific literature. Although this variant does not alter the encoded amino acid, there is evidence that it affects splicing, potentially resulting in aberrant transcript processing, exon skipping, mRNA degradation via nonsense-mediated decay (NMD), or production of a truncated protein. According to the currently available evidence, this variant has been classified as uncertain significance (PM2_P, PP3).

Women's Health and Genetics/Laboratory Corporation of America, LabCorp
Classification: Uncertain significance. Last evaluated: 2026-02-12. Review status: criteria provided, single submitter. Criteria: LabCorp Variant Classification Summary - May 2015. Collection method: clinical testing. Allele origin: germline.
Comment: Variant summary: STAT2 c.1344G>A (p.Thr448Thr) alters a conserved nucleotide located close to a canonical splice site and therefore could affect mRNA splicing, leading to a significantly altered protein sequence. Several computational tools predict a significant impact on normal splicing: One predicts the variant weakens a 3' acceptor site. Three predict the variant creates a cryptic 3' acceptor site. Four predict the variant has no significant impact on splicing. However, these predictions have yet to be confirmed by functional studies. The variant allele was found at a frequency of 6e-05 in 251432 control chromosomes. This frequency is not significantly higher than estimated for disease-causing variants in STAT2, allowing no conclusion about variant significance. To our knowledge, no occurrence of c.1344G>A in individuals affected with STAT2-related conditions and no experimental evidence demonstrating its impact on protein function have been reported. ClinVar contains an entry for this variant (Variation ID: 652347). Based on the evidence outlined above, the variant was classified as uncertain significance.

Labcorp Genetics (formerly Invitae), Labcorp
Classification: Uncertain significance for Primary immunodeficiency with post-measles-mumps-rubella vaccine viral infection. Last evaluated: 2022-07-23. Review status: criteria provided, single submitter. Criteria: Invitae Variant Classification Sherloc (09022015). Collection method: clinical testing. Allele origin: germline.
Comment: This sequence change affects codon 448 of the STAT2 mRNA. It is a 'silent' change, meaning that it does not change the encoded amino acid sequence of the STAT2 protein. This variant is present in population databases (rs776389808, gnomAD 0.01%). This variant has not been reported in the literature in individuals affected with STAT2-related conditions. ClinVar contains an entry for this variant (Variation ID: 652347). Algorithms developed to predict the effect of sequence changes on RNA splicing suggest that this variant may create or strengthen a splice site. In summary, the available evidence is currently insufficient to determine the role of this variant in disease. Therefore, it has been classified as a Variant of Uncertain Significance.